The following is an entry in ClinVar:

ClinVar aggregate classification (germline): Uncertain significance (1 of 4 stars; one submission).

Submission:

GeneDx
Classification: Uncertain significance. Last evaluated: 2024-04-01. Review status: criteria provided, single submitter. Criteria: GeneDx Variant Classification Process June 2021. Collection method: clinical testing. Allele origin: germline. Affected: yes.
Comment: Not observed at significant frequency in large population cohorts (gnomAD); In silico analysis supports that this missense variant does not alter protein structure/function; Has not been previously published as pathogenic or benign to our knowledge

NM_001321120.2(TBX4):c.785T>A (p.Leu262Gln)

Gene: TBX4 (T-box transcription factor 4; plus strand). Cytogenetic location: 17q23.2.
Variant type: single nucleotide variant.
Coding change: c.785T>A on transcript NM_001321120.2 (MANE Select); coding-DNA position 785, T replaced by A.
Protein change: p.Leu262Gln; replaces leucine 262 with glutamine.
Molecular consequence: missense variant.
Genome position (GRCh38, 1-based): chr17:61,479,963, T>A. VCF-style: chr17-61479963-T-A. GRCh37 (hg19) VCF-style: chr17-59557324-T-A.
Other names: c.785T>A, p.Leu262Gln (NM_018488.3); short protein forms L262Q.
Identifiers: ClinVar variation 3371779 (VCV003371779.1).